The following is an entry in ClinVar:

ClinVar aggregate classification (germline): Likely benign (1 of 4 stars; one submission).

Allele frequency attached by ClinVar (database versions not stated): 1000 Genomes Project 30x 0.00016.
gnomAD v4.1: 139 of 1,604,364 alleles (0.0087%); highest among the groups gnomAD compares: East Asian, 0.033%; 2 homozygotes.

Submission:

CeGaT Center for Human Genetics Tuebingen
Classification: Likely benign. Last evaluated: 2022-12-01. Review status: criteria provided, single submitter. Criteria: CeGaT Center For Human Genetics Tuebingen Variant Classification Criteria Version 2. Collection method: clinical testing. Allele origin: germline. Affected: yes. Observed: 1 variant allele.
Comment: GOLGA8S: BP4, BP7

NM_001395373.1(GOLGA8S):c.1461T>C (p.Ile487=)

Gene: GOLGA8S (golgin A8 family member S; plus strand). Cytogenetic location: 15q11.2.
Variant type: single nucleotide variant.
Coding change: c.1461T>C on transcript NM_001395373.1 (MANE Select); coding-DNA position 1461, T replaced by C.
Protein change: p.Ile487=; no amino-acid change (isoleucine 487 retained).
Molecular consequence: synonymous variant.
Genome position (GRCh38, 1-based): chr15:23,364,417, T>C. VCF-style: chr15-23364417-T-C. GRCh37 (hg19) VCF-style: chr15-23609564-T-C.
Other names: c.783T>C, p.Ile261= (NM_001355465.2).
Identifiers: ClinVar variation 2644969 (VCV002644969.24), dbSNP rs4036680, ClinGen allele CA7428287.